The following is an entry in ClinVar:

NM_000372.5(TYR):c.708G>C (p.Trp236Cys)

Gene: TYR (tyrosinase; plus strand). Cytogenetic location: 11q14.3.
Variant type: single nucleotide variant.
Coding change: c.708G>C on transcript NM_000372.5 (MANE Select); coding-DNA position 708, G replaced by C.
Protein change: p.Trp236Cys; replaces tryptophan 236 with cysteine.
Molecular consequence: missense variant.
Genome position (GRCh38, 1-based): chr11:89,178,661, G>C. VCF-style: chr11-89178661-G-C. GRCh37 (hg19) VCF-style: chr11-88911829-G-C.
Other names: short protein forms W236C.
Identifiers: ClinVar variation 1502094 (VCV001502094.7), dbSNP rs769204360, ClinGen allele CA6221173.

ClinVar aggregate classification (germline): Uncertain significance. Review status: criteria provided, multiple submitters, no conflicts (2 of 4 stars). 2 submissions from 2 submitters: Uncertain significance (2). Last evaluated 2025-01-24.

Allele frequency attached by ClinVar (database versions not stated): gnomAD exomes below 0.00001 and 0.00001; TOPMed below 0.00001; ExAC 0.00002.
gnomAD v4.1: 3 of 1,613,600 alleles (0.00019%); highest among the groups gnomAD compares: Admixed American, 0.0033%; no homozygotes.

Submissions (2):

Women's Health and Genetics/Laboratory Corporation of America, LabCorp
Classification: Uncertain significance. Last evaluated: 2025-01-24. Review status: criteria provided, single submitter. Criteria: LabCorp Variant Classification Summary - May 2015. Collection method: clinical testing. Allele origin: germline.
Comment: Variant summary: TYR c.708G>C (p.Trp236Cys) results in a non-conservative amino acid change located in the Common central domain of tyrosinase (IPR002227) of the encoded protein sequence. Five of five in-silico tools predict a damaging effect of the variant on protein function. The variant allele was found at a frequency of 1.2e-05 in 251108 control chromosomes. The available data on variant occurrences in the general population are insufficient to allow any conclusion about variant significance. To our knowledge, no occurrence of c.708G>C in individuals affected with Oculocutaneous Albinism and no experimental evidence demonstrating its impact on protein function have been reported. ClinVar contains an entry for this variant (Variation ID: 1502094). Based on the evidence outlined above, the variant was classified as uncertain significance.

Labcorp Genetics (formerly Invitae), Labcorp
Classification: Uncertain significance. Last evaluated: 2021-09-24. Review status: criteria provided, single submitter. Criteria: Invitae Variant Classification Sherloc (09022015). Collection method: clinical testing. Allele origin: germline.
Comment: This sequence change replaces tryptophan with cysteine at codon 236 of the TYR protein (p.Trp236Cys). The tryptophan residue is highly conserved and there is a large physicochemical difference between tryptophan and cysteine. This variant is present in population databases (rs769204360, ExAC 0.009%). This variant has not been reported in the literature in individuals affected with TYR-related conditions. Advanced modeling of protein sequence and biophysical properties (such as structural, functional, and spatial information, amino acid conservation, physicochemical variation, residue mobility, and thermodynamic stability) performed at Invitae indicates that this missense variant is expected to disrupt TYR protein function. This variant disrupts the p.Trp236 amino acid residue in TYR. Other variant(s) that disrupt this residue have been observed in individuals with TYR-related conditions (PMID: 10987646, 19865097), which suggests that this may be a clinically significant amino acid residue. In summary, the available evidence is currently insufficient to determine the role of this variant in disease. Therefore, it has been classified as a Variant of Uncertain Significance.

Literature cited by the submitters: PubMed 10987646 (cited by Labcorp Genetics (formerly Invitae), Labcorp); PubMed 19865097 (cited by Labcorp Genetics (formerly Invitae), Labcorp).